The following is an entry in ClinVar:

NM_032043.3(BRIP1):c.2200A>C (p.Asn734His)

Gene: BRIP1 (BRCA1 interacting DNA helicase 1; minus strand). Cytogenetic location: 17q23.2.
Variant type: single nucleotide variant.
Coding change: c.2200A>C on transcript NM_032043.3 (MANE Select); coding-DNA position 2200, A replaced by C.
Protein change: p.Asn734His; replaces asparagine 734 with histidine.
Molecular consequence: missense variant.
Genome position (GRCh38, 1-based): chr17:61,744,489, T>G on the plus strand (A>C on the coding strand, the complement: BRIP1 is on the minus strand). VCF-style: chr17-61744489-T-G. GRCh37 (hg19) VCF-style: chr17-59821850-T-G.
Other names: short protein forms N734H.
Identifiers: ClinVar variation 1478087 (VCV001478087.9), dbSNP rs2144697244, ClinGen allele CA400483012.

ClinVar aggregate classification (germline): Uncertain significance (1 of 4 stars; one submission).

Conditions:
Familial cancer of breast. Also called: Hereditary breast cancer; BREAST CANCER, FAMILIAL; hereditary breast carcinoma. Identifiers: Orphanet 227535, MedGen C0346153, MONDO:0016419, OMIM 114480. Disease mechanism: loss of function.
Fanconi anemia complementation group J. Also called: BRIP1-Related Fanconi Anemia. Identifiers: Orphanet 84, MedGen C1836860, MONDO:0012187, OMIM 609054.

Submission:

Labcorp Genetics (formerly Invitae), Labcorp
Classification: Uncertain significance for Familial cancer of breast; Fanconi anemia complementation group J. Last evaluated: 2023-02-21. Review status: criteria provided, single submitter. Criteria: Invitae Variant Classification Sherloc (09022015). Collection method: clinical testing. Allele origin: germline.
Comment: In summary, the available evidence is currently insufficient to determine the role of this variant in disease. Therefore, it has been classified as a Variant of Uncertain Significance. Advanced modeling of protein sequence and biophysical properties (such as structural, functional, and spatial information, amino acid conservation, physicochemical variation, residue mobility, and thermodynamic stability) performed at Invitae indicates that this missense variant is not expected to disrupt BRIP1 protein function. ClinVar contains an entry for this variant (Variation ID: 1478087). This variant has not been reported in the literature in individuals affected with BRIP1-related conditions. This variant is not present in population databases (gnomAD no frequency). This sequence change replaces asparagine, which is neutral and polar, with histidine, which is basic and polar, at codon 734 of the BRIP1 protein (p.Asn734His).